The following is an entry in ClinVar:

NM_001848.3(COL6A1):c.2434+14_2434+15insGCCCGGGCAGTCCCAGATCTGCGTAGGTGCGCGCGGGGCC

Gene: COL6A1 (collagen type VI alpha 1 chain; plus strand). Cytogenetic location: 21q22.3.
Variant type: Microsatellite.
Coding change: c.2434+14_2434+15insGCCCGGGCAGTCCCAGATCTGCGTAGGTGCGCGCGGGGCC on transcript NM_001848.3 (MANE Select); bases 14 to 15 of the intron after coding-DNA position 2434, GCCCGGGCAGTCCCAGATCTGCGTAGGTGCGCGCGGGGCC inserted.
Molecular consequence: intron variant.
Genome position: GRCh38: chr21:46,002,719-46,002,724. GRCh37 (hg19), VCF-style position (the base before the change): chr21:47,422,632.
Identifiers: ClinVar variation 4754651 (VCV004754651.1).

ClinVar aggregate classification (germline): Uncertain significance (1 of 4 stars; one submission).

Conditions:
Bethlem myopathy 1A. Also called: Bethlem myopathy 1; Bethlem Muscular Dystrophy; MYOPATHY, BENIGN CONGENITAL, WITH CONTRACTURES. Identifiers: Orphanet 610, MedGen CN029274, MONDO:0024530, OMIM 158810.

Submission:

Labcorp Genetics (formerly Invitae), Labcorp
Classification: Uncertain significance for Bethlem myopathy 1A. Last evaluated: 2025-11-06. Review status: criteria provided, single submitter. Criteria: Invitae Variant Classification Sherloc (09022015). Collection method: clinical testing. Allele origin: germline.
Comment: This sequence change falls in intron 33 of the COL6A1 gene. It does not directly change the encoded amino acid sequence of the COL6A1 protein. This variant is not present in population databases (gnomAD no frequency). This variant has not been reported in the literature in individuals affected with COL6A1-related conditions. In summary, the available evidence is currently insufficient to determine the role of this variant in disease. Therefore, it has been classified as a Variant of Uncertain Significance.